The following is an entry in ClinVar:

ClinVar aggregate classification (germline): Uncertain significance (1 of 4 stars; one submission).

Conditions:
Primary ciliary dyskinesia. Also called: Ciliary dyskinesia. Identifiers: Orphanet 244, MedGen C0008780, MONDO:0016575, HP:0012265.

Allele frequency attached by ClinVar (database versions not stated): gnomAD exomes below 0.00001; gnomAD 0.00001; TOPMed 0.00001.
gnomAD v4.1: 3 of 1,599,354 alleles (0.00019%); highest among the groups gnomAD compares: Non-Finnish European, 0.00026%; no homozygotes.

Submission:

Labcorp Genetics (formerly Invitae), Labcorp
Classification: Uncertain significance for Primary ciliary dyskinesia. Last evaluated: 2018-03-17. Review status: criteria provided, single submitter. Criteria: Invitae Variant Classification Sherloc (09022015). Collection method: clinical testing. Allele origin: germline.
Comment: In summary, the available evidence is currently insufficient to determine the role of this variant in disease. Therefore, it has been classified as a Variant of Uncertain Significance. Algorithms developed to predict the effect of sequence changes on RNA splicing suggest that this variant may create or strengthen a splice site, but this prediction has not been confirmed by published transcriptional studies. Algorithms developed to predict the effect of missense changes on protein structure and function do not agree on the potential impact of this missense change (SIFT: "Tolerated"; PolyPhen-2: "Possibly Damaging"; Align-GVGD: "Class C0"). This variant has not been reported in the literature in individuals with DNAH11-related disease. This variant is not present in population databases (ExAC no frequency). This sequence change replaces proline with alanine at codon 2394 of the DNAH11 protein (p.Pro2394Ala). The proline residue is highly conserved and there is a small physicochemical difference between proline and alanine.

NM_001277115.2(DNAH11):c.7180C>G (p.Pro2394Ala)

Gene: DNAH11 (dynein axonemal heavy chain 11; plus strand). Cytogenetic location: 7p15.3.
Variant type: single nucleotide variant.
Coding change: c.7180C>G on transcript NM_001277115.2 (MANE Select); coding-DNA position 7180, C replaced by G.
Protein change: p.Pro2394Ala; replaces proline 2394 with alanine.
Molecular consequence: missense variant.
Genome position (GRCh38, 1-based): chr7:21,720,770, C>G. VCF-style: chr7-21720770-C-G. GRCh37 (hg19) VCF-style: chr7-21760388-C-G.
Other names: short protein forms P2394A.
Identifiers: ClinVar variation 582320 (VCV000582320.9), dbSNP rs1336741273, ClinGen allele CA366943760.